The following is an entry in ClinVar:

NM_000530.8(MPZ):c.156C>G (p.Phe52Leu)

Gene: MPZ (myelin protein zero; minus strand). Cytogenetic location: 1q23.3.
Variant type: single nucleotide variant.
Coding change: c.156C>G on transcript NM_000530.8 (MANE Select); coding-DNA position 156, C replaced by G.
Protein change: p.Phe52Leu; replaces phenylalanine 52 with leucine.
Molecular consequence: missense variant.
Genome position (GRCh38, 1-based): chr1:161,307,336, G>C on the plus strand (C>G on the coding strand, the complement: MPZ is on the minus strand). VCF-style: chr1-161307336-G-C. GRCh37 (hg19) VCF-style: chr1-161277126-G-C.
Other names: c.156C>G, p.Phe52Leu (NM_001315491.2); short protein forms F52L.
Identifiers: ClinVar variation 1471635 (VCV001471635.8), dbSNP rs2102260015, ClinGen allele CA343351115.
Genomic context (GRCh38, chr1:161,307,336, plus strand): 5'-CCCTTCGGGCTGGTAGCGCCAGGTGAAGGAGATGTCATCTGAGACCCACTCACTGGACCA[G>C]AAGGAGCAGTGCAGGGTCACCCGGGAGCCCACAGCACCATGGACCTCCCTGTCGGTGTAA-3'
Protein context (NP_000521.2, residues 42-62): VGSRVTLHCS[Phe52Leu]WSSEWVSDDI

ClinVar aggregate classification (germline): Likely pathogenic (1 of 4 stars; one submission).

Conditions:
Charcot-Marie-Tooth disease, type I (CMT1). Also called: Charcot-Marie-Tooth, Type 1; Charcot-Marie-Tooth disease type 1. Identifiers: Orphanet 65753, MedGen C0751036, MONDO:0019011.

Submission:

Labcorp Genetics (formerly Invitae), Labcorp
Classification: Likely pathogenic for Charcot-Marie-Tooth disease, type I. Last evaluated: 2022-08-31. Review status: criteria provided, single submitter. Criteria: Invitae Variant Classification Sherloc (09022015). Collection method: clinical testing. Allele origin: germline.
Comment: This variant is not present in population databases (gnomAD no frequency). In summary, the currently available evidence indicates that the variant is pathogenic, but additional data are needed to prove that conclusively. Therefore, this variant has been classified as Likely Pathogenic. This variant disrupts the p.Phe52 amino acid residue in MPZ. Other variant(s) that disrupt this residue have been determined to be pathogenic (PMID: 33825325). This suggests that this residue is clinically significant, and that variants that disrupt this residue are likely to be disease-causing. Experimental studies have shown that this missense change affects MPZ function (PMID: 29687021). Algorithms developed to predict the effect of missense changes on protein structure and function are either unavailable or do not agree on the potential impact of this missense change (SIFT: "Deleterious"; PolyPhen-2: "Probably Damaging"; Align-GVGD: "Class C15"). ClinVar contains an entry for this variant (Variation ID: 1471635). This missense change has been observed in individuals with Charcot-Marie-Tooth disease (PMID: 26310628; Invitae). This sequence change replaces phenylalanine, which is neutral and non-polar, with leucine, which is neutral and non-polar, at codon 52 of the MPZ protein (p.Phe52Leu).

Literature cited by the submitters: PubMed 33825325; PubMed 29687021; PubMed 26310628.